The following is an entry in ClinVar:

ClinVar aggregate classification (germline): Uncertain significance (1 of 4 stars; one submission).

Conditions:
Nemaline myopathy 2 (NEM2). Also called: Nemaline myopathy 2, autosomal recessive. Identifiers: MedGen C1850569, MONDO:0009725, OMIM 256030.

Allele frequency attached by ClinVar (database versions not stated): TOPMed below 0.00001; gnomAD 0.00001.
gnomAD v4.1: 1 of 1,613,562 alleles (0.000062%); highest among the groups gnomAD compares: East Asian, 0.0022%; no homozygotes.

Submission:

Labcorp Genetics (formerly Invitae), Labcorp
Classification: Uncertain significance for Nemaline myopathy 2. Last evaluated: 2021-10-23. Review status: criteria provided, single submitter. Criteria: Invitae Variant Classification Sherloc (09022015). Collection method: clinical testing. Allele origin: germline.
Comment: This sequence change replaces serine with arginine at codon 1956 of the NEB protein (p.Ser1956Arg). The serine residue is moderately conserved and there is a moderate physicochemical difference between serine and arginine. This variant is not present in population databases (ExAC no frequency). This variant has not been reported in the literature in individuals affected with NEB-related conditions. Algorithms developed to predict the effect of missense changes on protein structure and function are either unavailable or do not agree on the potential impact of this missense change (SIFT: "Deleterious"; PolyPhen-2: "Not Available"; Align-GVGD: "Class C0"). In summary, the available evidence is currently insufficient to determine the role of this variant in disease. Therefore, it has been classified as a Variant of Uncertain Significance.

NM_001164508.2(NEB):c.5866A>C (p.Ser1956Arg)

Gene: NEB (nebulin; minus strand). Cytogenetic location: 2q23.3.
Variant type: single nucleotide variant.
Coding change: c.5866A>C on transcript NM_001164508.2 (MANE Select); coding-DNA position 5866, A replaced by C.
Protein change: p.Ser1956Arg; replaces serine 1956 with arginine.
Molecular consequence: missense variant.
Genome position (GRCh38, 1-based): chr2:151,662,239, T>G on the plus strand (A>C on the coding strand, the complement: NEB is on the minus strand). VCF-style: chr2-151662239-T-G. GRCh37 (hg19) VCF-style: chr2-152518753-T-G.
Other names: c.5866A>C, p.Ser1956Arg (NM_001164507.2, NM_001271208.2, NM_004543.5); short protein forms S1956R.
Identifiers: ClinVar variation 1400483 (VCV001400483.6), dbSNP rs1258945263, ClinGen allele CA348806179.
Genomic context (GRCh38, chr2:151,662,239, plus strand): 5'-TCGAGTCCATGAGTGTGGAATACTTCAAAGTGTCTGGGTGCTGGCGGTACTTCTTTTCAC[T>G]AATAATCTCCATGGCTTTCTTGTTTTTCTCTGCTTCCAGGGAGCCCAGAGGGAGCCATCC-3'
Protein context (NP_001157980.2, residues 1946-1966): EKNKKAMEII[Ser1956Arg]EKKYRQHPDT